The following is an entry in ClinVar:

ClinVar aggregate classification (germline): Uncertain significance (1 of 4 stars; one submission).

Conditions:
Arrhythmogenic right ventricular dysplasia 10. Also called: Arrhythmogenic right ventricular dysplasia/cardiomyopathy, type 10; Arrhythmogenic Right Ventricular Dysplasia/Cardiomyopathy10; ARRHYTHMOGENIC RIGHT VENTRICULAR DYSPLASIA, FAMILIAL, 10. Identifiers: MedGen C1857777, MONDO:0012434, OMIM 610193.

gnomAD v4.1: 1 of 1,614,068 alleles (0.000062%); highest among the groups gnomAD compares: Non-Finnish European, 0.000085%; no homozygotes.

Submission:

Labcorp Genetics (formerly Invitae), Labcorp
Classification: Uncertain significance for Arrhythmogenic right ventricular dysplasia 10. Last evaluated: 2024-02-19. Review status: criteria provided, single submitter. Criteria: Invitae Variant Classification Sherloc (09022015). Collection method: clinical testing. Allele origin: germline.
Comment: This sequence change replaces valine, which is neutral and non-polar, with glycine, which is neutral and non-polar, at codon 839 of the DSG2 protein (p.Val839Gly). This variant is not present in population databases (gnomAD no frequency). This variant has not been reported in the literature in individuals affected with DSG2-related conditions. Advanced modeling of protein sequence and biophysical properties (such as structural, functional, and spatial information, amino acid conservation, physicochemical variation, residue mobility, and thermodynamic stability) performed at Invitae indicates that this missense variant is not expected to disrupt DSG2 protein function with a negative predictive value of 95%. In summary, the available evidence is currently insufficient to determine the role of this variant in disease. Therefore, it has been classified as a Variant of Uncertain Significance.

NM_001943.5(DSG2):c.2516T>G (p.Val839Gly)

Genes: DSG2 (desmoglein 2; plus strand), DSG2-AS1 (DSG2 antisense RNA 1; minus strand). Cytogenetic location: 18q12.1.
Variant type: single nucleotide variant.
Coding change: c.2516T>G on transcript NM_001943.5 (MANE Select); coding-DNA position 2516, T replaced by G.
Protein change: p.Val839Gly; replaces valine 839 with glycine.
Molecular consequence: missense variant. On other transcripts: non-coding transcript variant (1).
Genome position (GRCh38, 1-based): chr18:31,545,902, T>G. VCF-style: chr18-31545902-T-G. GRCh37 (hg19) VCF-style: chr18-29125865-T-G.
Other names: short protein forms V839G.
Identifiers: ClinVar variation 3625225 (VCV003625225.2).